The following is an entry in ClinVar:

ClinVar aggregate classification (germline): Uncertain significance (1 of 4 stars; one submission).

Conditions:
Familial thoracic aortic aneurysm and aortic dissection (TAAD). Also called: Thoracic aortic aneurysms and dissections. Identifiers: Orphanet 91387, MedGen C4707243, MONDO:0019625.

Submission:

Labcorp Genetics (formerly Invitae), Labcorp
Classification: Uncertain significance for Familial thoracic aortic aneurysm and aortic dissection. Last evaluated: 2024-10-19. Review status: criteria provided, single submitter. Criteria: Invitae Variant Classification Sherloc (09022015). Collection method: clinical testing. Allele origin: germline.
Comment: This sequence change replaces serine, which is neutral and polar, with asparagine, which is neutral and polar, at codon 198 of the TGFBR2 protein (p.Ser198Asn). This variant is not present in population databases (gnomAD no frequency). This variant has not been reported in the literature in individuals affected with TGFBR2-related conditions. Invitae Evidence Modeling of protein sequence and biophysical properties (such as structural, functional, and spatial information, amino acid conservation, physicochemical variation, residue mobility, and thermodynamic stability) indicates that this missense variant is not expected to disrupt TGFBR2 protein function with a negative predictive value of 95%. In summary, the available evidence is currently insufficient to determine the role of this variant in disease. Therefore, it has been classified as a Variant of Uncertain Significance.

NM_003242.6(TGFBR2):c.593G>A (p.Ser198Asn)

Gene: TGFBR2 (transforming growth factor beta receptor 2; plus strand). Cytogenetic location: 3p24.1.
Variant type: single nucleotide variant.
Coding change: c.593G>A on transcript NM_003242.6 (MANE Select); coding-DNA position 593, G replaced by A.
Protein change: p.Ser198Asn; replaces serine 198 with asparagine.
Molecular consequence: missense variant. On other transcripts: intron variant (1).
Genome position (GRCh38, 1-based): chr3:30,671,776, G>A. VCF-style: chr3-30671776-G-A. GRCh37 (hg19) VCF-style: chr3-30713268-G-A.
Other names: c.668G>A, p.Ser223Asn (NM_001024847.3); c.776G>A, p.Ser259Asn (NM_001407126.1); c.701G>A, p.Ser234Asn (NM_001407127.1); c.620G>A, p.Ser207Asn (NM_001407128.1); c.596G>A, p.Ser199Asn (NM_001407129.1); c.593G>A, p.Ser198Asn (NM_001407130.1); c.488G>A, p.Ser163Asn (NM_001407132.1, NM_001407133.1, NM_001407134.1 and 2 more transcripts); c.308G>A, p.Ser103Asn (NM_001407137.1); and 2 more; short protein forms S199N, S207N, S259N, S78N, S163N, S198N, S103N, S223N.
Identifiers: ClinVar variation 2918905 (VCV002918905.2), dbSNP rs2125433635, ClinGen allele CA351807438.